The following is an entry in ClinVar:

ClinVar aggregate classification (germline): Benign. Review status: criteria provided, multiple submitters, no conflicts (2 of 4 stars). 3 submissions from 3 submitters: Benign (2). 1 of the submissions does not count toward it. Last evaluated 2016-03-29.

Conditions:
DNAH2-related disorder. Also called: DNAH2-related condition.

Allele frequency attached by ClinVar (database versions not stated): ESP Exome Variant Server 0.52053; TOPMed 0.53195; 1000 Genomes Project 0.53395; gnomAD 0.53448 and 0.54046; 1000 Genomes Project 30x 0.53513; ExAC 0.60273; gnomAD exomes 0.61190 and 0.62081.
gnomAD v4.1: 988,828 of 1,613,764 alleles (61%); highest among the groups gnomAD compares: Admixed American, 68%; 307,714 homozygotes.

Submissions (3):

Laboratory for Molecular Medicine, Mass General Brigham Personalized Medicine
Classification: Benign. Last evaluated: 2016-03-29. Review status: criteria provided, single submitter. Criteria: LMM Criteria. Collection method: clinical testing. Allele origin: germline.
Comment: Variant identified in a genome or exome case(s) and assessed due to predicted null impact of the variant or pathogenic assertions in the literature or databases. Disclaimer: This variant has not undergone full assessment. The following are preliminary notes: Frequency

Breakthrough Genomics
Classification: Benign. Review status: criteria provided, single submitter. Criteria: ACMG Guidelines, 2015. Collection method: not provided. Allele origin: germline. Inheritance: Autosomal recessive inheritance. Affected: yes.

PreventionGenetics, part of Exact Sciences
Classification: Benign for DNAH2-related condition. Last evaluated: 2019-10-17. Review status: no assertion criteria provided. Collection method: clinical testing. Allele origin: germline. Not counted in ClinVar's aggregate classification.
Comment: This variant is classified as benign based on ACMG/AMP sequence variant interpretation guidelines (Richards et al. 2015 PMID: 25741868, with internal and published modifications).

NM_020877.5(DNAH2):c.7950-6C>T

Gene: DNAH2 (dynein axonemal heavy chain 2; plus strand). Cytogenetic location: 17p13.1.
Variant type: single nucleotide variant.
Coding change: c.7950-6C>T on transcript NM_020877.5 (MANE Select); 6 bases into the intron before coding-DNA position 7950, C replaced by T.
Molecular consequence: intron variant.
Genome position (GRCh38, 1-based): chr17:7,797,394, C>T. VCF-style: chr17-7797394-C-T. GRCh37 (hg19) VCF-style: chr17-7700712-C-T.
Other names: c.7950-6C>T (NM_020877.3).
Identifiers: ClinVar variation 402710 (VCV000402710.7), dbSNP rs1565817, ClinGen allele CA8358251.
Genomic context (GRCh38, chr17:7,797,394, plus strand): 5'-GACACTGCCTTCCCCAGGCCATTCTCCTCTTTATTCCCCGATCTCACCCCAGTTCCCTGC[C>T]CACAGAGTCTTCTCTGACCGGCTGGTTGATGCGGCAGACACAGAAGCCTTCATGGGCATC-3'